The following is an entry in ClinVar:

ClinVar aggregate classification (germline): Benign/Likely benign. Review status: criteria provided, multiple submitters, no conflicts (2 of 4 stars). 8 submissions from 8 submitters: Benign (7); Likely benign (1). Last evaluated 2026-04-06.

Conditions:
Cardiovascular phenotype. Identifiers: MedGen CN230736.
Ehlers-Danlos syndrome (EDS). Identifiers: Orphanet 98249, MedGen C0013720, MONDO:0020066.

Allele frequency attached by ClinVar (database versions not stated): 1000 Genomes Project 0.00379; 1000 Genomes Project 30x 0.00390; TOPMed 0.01033; ExAC 0.01036; ESP Exome Variant Server 0.01069; gnomAD 0.01118 and 0.01143; gnomAD exomes 0.01129.

Submissions (8):

Women's Health and Genetics/Laboratory Corporation of America, LabCorp
Classification: Likely benign. Last evaluated: 2026-04-06. Review status: criteria provided, single submitter. Criteria: LabCorp Variant Classification Summary - May 2015. Collection method: clinical testing. Allele origin: germline.

Labcorp Genetics (formerly Invitae), Labcorp
Classification: Benign. Last evaluated: 2026-02-04. Review status: criteria provided, single submitter. Criteria: Invitae Variant Classification Sherloc (09022015). Collection method: clinical testing. Allele origin: germline.

CeGaT Center for Human Genetics Tuebingen
Classification: Benign. Last evaluated: 2024-07-01. Review status: criteria provided, single submitter. Criteria: CeGaT Center For Human Genetics Tuebingen Variant Classification Criteria Version 2. Collection method: clinical testing. Allele origin: germline. Affected: yes. Observed: 16 variant alleles.
Comment: PRDM5: BP4, BS1, BS2

Mayo Clinic Laboratories, Mayo Clinic
Classification: Benign. Last evaluated: 2023-02-22. Review status: criteria provided, single submitter. Criteria: ACMG Guidelines, 2015. Collection method: clinical testing. Allele origin: germline. Observed: 95 variant alleles.
Comment: BS1, BS2, BP4

Genome Diagnostics Laboratory, The Hospital for Sick Children
Classification: Benign for Ehlers-Danlos syndrome. Last evaluated: 2022-07-07. Review status: criteria provided, single submitter. Criteria: ACMG Guidelines, 2015. Collection method: clinical testing. Allele origin: germline.

Ambry Genetics
Classification: Benign for Cardiovascular phenotype. Last evaluated: 2019-02-27. Review status: criteria provided, single submitter. Criteria: Ambry Variant Classification Scheme 2023. Collection method: clinical testing. Allele origin: germline.

GeneDx
Classification: Benign. Last evaluated: 2016-10-19. Review status: criteria provided, single submitter. Criteria: GeneDx Variant Classification (06012015). Collection method: clinical testing. Allele origin: germline. Affected: yes.
Comment: This variant is considered likely benign or benign based on one or more of the following criteria: it is a conservative change, it occurs at a poorly conserved position in the protein, it is predicted to be benign by multiple in silico algorithms, and/or has population frequency not consistent with disease.

Breakthrough Genomics
Classification: Benign. Review status: criteria provided, single submitter. Criteria: ACMG Guidelines, 2015. Collection method: not provided. Allele origin: germline. Inheritance: Autosomal recessive inheritance. Affected: yes.

NM_018699.4(PRDM5):c.491A>T (p.Lys164Ile)

Gene: PRDM5 (PR/SET domain 5; minus strand). Cytogenetic location: 4q27.
Variant type: single nucleotide variant.
Coding change: c.491A>T on transcript NM_018699.4 (MANE Select); coding-DNA position 491, A replaced by T.
Protein change: p.Lys164Ile; replaces lysine 164 with isoleucine.
Molecular consequence: missense variant.
Genome position (GRCh38, 1-based): chr4:120,818,512, T>A on the plus strand (A>T on the coding strand, the complement: PRDM5 is on the minus strand). VCF-style: chr4-120818512-T-A. GRCh37 (hg19) VCF-style: chr4-121739667-T-A.
Other names: p.Lys164Ile; c.491A>T, p.Lys164Ile (NM_001300823.2, NM_001300824.2, NM_001379104.1 and 1 more transcripts); short protein forms K164I.
Identifiers: ClinVar variation 383772 (VCV000383772.46), dbSNP rs146268537, ClinGen allele CA3061375.